The following is an entry in ClinVar:

ClinVar aggregate classification (germline): Uncertain significance. Review status: criteria provided, multiple submitters, no conflicts (2 of 4 stars). 3 submissions from 3 submitters: Uncertain significance (3). Last evaluated 2024-10-15.

Conditions:
Glutathione synthetase deficiency with 5-oxoprolinuria. Also called: 5-OXOPROLINURIA DUE TO GLUTATHIONE SYNTHETASE DEFICIENCY; Reduced glutathione synthetase level; PYROGLUTAMIC ACIDURIA; 5-Oxoprolinuria; Gluthathione synthetase deficiency. Identifiers: Orphanet 289846, MedGen C0398746, MONDO:0009947, OMIM 266130, HP:0003343.

Allele frequency attached by ClinVar (database versions not stated): ExAC 0.00001; gnomAD 0.00001; gnomAD exomes 0.00001; TOPMed 0.00001.
gnomAD v4.1: 15 of 1,612,816 alleles (0.00093%); highest among the groups gnomAD compares: Non-Finnish European, 0.0013%; no homozygotes.

Submissions (3):

Labcorp Genetics (formerly Invitae), Labcorp
Classification: Uncertain significance for Glutathione synthetase deficiency with 5-oxoprolinuria. Last evaluated: 2024-10-15. Review status: criteria provided, single submitter. Criteria: Invitae Variant Classification Sherloc (09022015). Collection method: clinical testing. Allele origin: germline.
Comment: This sequence change falls in intron 7 of the GSS gene. It does not directly change the encoded amino acid sequence of the GSS protein. It affects a nucleotide within the consensus splice site. This variant is present in population databases (rs760922408, gnomAD 0.002%). This variant has not been reported in the literature in individuals affected with GSS-related conditions. ClinVar contains an entry for this variant (Variation ID: 1419613). Variants that disrupt the consensus splice site are a relatively common cause of aberrant splicing (PMID: 17576681, 9536098). Algorithms developed to predict the effect of sequence changes on RNA splicing suggest that this variant is not likely to affect RNA splicing. In summary, the available evidence is currently insufficient to determine the role of this variant in disease. Therefore, it has been classified as a Variant of Uncertain Significance.

Women's Health and Genetics/Laboratory Corporation of America, LabCorp
Classification: Uncertain significance. Last evaluated: 2024-02-05. Review status: criteria provided, single submitter. Criteria: LabCorp Variant Classification Summary - May 2015. Collection method: clinical testing. Allele origin: germline.

Revvity Omics, Revvity
Classification: Uncertain significance. Last evaluated: 2023-08-01. Review status: criteria provided, single submitter. Criteria: ACMG Guidelines, 2015. Collection method: clinical testing. Allele origin: germline.

Literature cited by the submitters: PubMed 17576681 (cited by Labcorp Genetics (formerly Invitae), Labcorp); PubMed 9536098 (cited by Labcorp Genetics (formerly Invitae), Labcorp).

NM_000178.4(GSS):c.689+3A>G

Gene: GSS (glutathione synthetase; minus strand). Cytogenetic location: 20q11.22.
Variant type: single nucleotide variant.
Coding change: c.689+3A>G on transcript NM_000178.4 (MANE Select); 3 bases into the intron after coding-DNA position 689, A replaced by G.
Molecular consequence: intron variant.
Genome position (GRCh38, 1-based): chr20:34,936,940, T>C on the plus strand (A>G on the coding strand, the complement: GSS is on the minus strand). VCF-style: chr20-34936940-T-C. GRCh37 (hg19) VCF-style: chr20-33524743-T-C.
Other names: c.689+3A>G (NM_001322494.1, NM_001322495.1).
Identifiers: ClinVar variation 1419613 (VCV001419613.8), dbSNP rs760922408, ClinGen allele CA9826004.
Genomic context (GRCh38, chr20:34,936,940, plus strand): 5'-TGTTCTGAGTGCCCCACCCCTAATCCTGGAGCCACACCTAGAAGTCCCCCTTCCTTTACT[T>C]ACCTGGCCAGTAGCTCATTCTCTATGGCACGCTGGTCAAATATGTTTCTTTCCTTCTCTT-3'